The following is an entry in ClinVar:

NM_033004.4(NLRP1):c.2871-3C>T

Gene: NLRP1 (NLR family pyrin domain containing 1; minus strand). Cytogenetic location: 17p13.2.
Variant type: single nucleotide variant.
Coding change: c.2871-3C>T on transcript NM_033004.4 (MANE Select); 3 bases into the intron before coding-DNA position 2871, C replaced by T.
Molecular consequence: intron variant.
Genome position (GRCh38, 1-based): chr17:5,536,943, G>A on the plus strand (C>T on the coding strand, the complement: NLRP1 is on the minus strand). VCF-style: chr17-5536943-G-A. GRCh37 (hg19) VCF-style: chr17-5440263-G-A.
Other names: c.2871-3C>T (NM_001033053.3, NM_014922.5); c.2870+2472C>T (NM_033007.4, NM_033006.4).
Identifiers: ClinVar variation 2837615 (VCV002837615.3), dbSNP rs1245477560, ClinGen allele CA773223104.
Genomic context (GRCh38, chr17:5,536,943, plus strand): 5'-CTGCTCCAGGGCCCTCAGTTCCTGCCTCATCTCATCACTCAGAGTTGTCTGGTCCAGCCT[G>A]AAAGCACAAAGGGAGCCGGGTCCTCCTGGGATCCCCCATGTGGTCCCCAGGTCCCCAGGG-3'

ClinVar aggregate classification (germline): Uncertain significance (1 of 4 stars; one submission).

Allele frequency attached by ClinVar (database versions not stated): gnomAD exomes below 0.00001; TOPMed below 0.00001; gnomAD 0.00001.
gnomAD v4.1: 2 of 1,610,498 alleles (0.00012%); highest among the groups gnomAD compares: Non-Finnish European, 0.00017%; no homozygotes.

Submission:

Labcorp Genetics (formerly Invitae), Labcorp
Classification: Uncertain significance. Last evaluated: 2023-02-15. Review status: criteria provided, single submitter. Criteria: Invitae Variant Classification Sherloc (09022015). Collection method: clinical testing. Allele origin: germline.
Comment: This variant has not been reported in the literature in individuals affected with NLRP1-related conditions. In summary, the available evidence is currently insufficient to determine the role of this variant in disease. Therefore, it has been classified as a Variant of Uncertain Significance. Variants that disrupt the consensus splice site are a relatively common cause of aberrant splicing (PMID: 17576681, 9536098). Algorithms developed to predict the effect of sequence changes on RNA splicing suggest that this variant is not likely to affect RNA splicing. This variant is not present in population databases (gnomAD no frequency). This sequence change falls in intron 7 of the NLRP1 gene. It does not directly change the encoded amino acid sequence of the NLRP1 protein. It affects a nucleotide within the consensus splice site.

Literature cited by the submitters: PubMed 17576681; PubMed 9536098.